The following continues an entry in ClinVar:

NM_000551.4(VHL):c.194C>G (p.Ser65Trp)

Gene: VHL. ClinVar aggregate classification (germline): Pathogenic. Pathogenic (1).

Submissions 9 to 13 of 13:

Blueprint Genetics
Classification: Pathogenic for VHL-related disorders. Last evaluated: 2020-10-07. Review status: criteria provided, single submitter. Criteria: ACMG Guidelines, 2015. Collection method: clinical testing. Allele origin: germline. Affected: yes. Observed: 1 variant allele. Not counted in ClinVar's aggregate classification.

Genomic Diagnostic Laboratory, Division of Genomic Diagnostics, Children's Hospital of Philadelphia
Classification: Pathogenic for Von Hippel-Lindau syndrome. Last evaluated: 2016-02-26. Review status: no assertion criteria provided. Collection method: clinical testing. Allele origin: germline. Affected: yes. Observed: 4 variant alleles. Not counted in ClinVar's aggregate classification.

Laboratory for Molecular Medicine, Mass General Brigham Personalized Medicine
Classification: Pathogenic for Von Hippel-Lindau syndrome. Last evaluated: 2008-07-30. Review status: no assertion criteria provided. Collection method: clinical testing. Allele origin: germline. Observed: 1 variant allele. Not counted in ClinVar's aggregate classification.

Clinical Genetics DNA and cytogenetics Diagnostics Lab, Erasmus MC, Erasmus Medical Center
Classification: Pathogenic. Review status: no assertion criteria provided. Collection method: clinical testing. Allele origin: germline. Affected: yes. Study: VKGL Data-share Consensus. Not counted in ClinVar's aggregate classification.

Genome Diagnostics Laboratory, University Medical Center Utrecht
Classification: Pathogenic. Review status: no assertion criteria provided. Collection method: clinical testing. Allele origin: germline. Affected: yes. Study: VKGL Data-share Consensus. Not counted in ClinVar's aggregate classification.

Literature cited by the submitters: PubMed 22799452 (cited by 3 submitters); PubMed 15611064 (cited by 5 submitters); PubMed 7728151 (cited by Labcorp Genetics (formerly Invitae), Labcorp and Laboratory for Molecular Medicine, Mass General Brigham Personalized Medicine); PubMed 7987306 (cited by Labcorp Genetics (formerly Invitae), Labcorp and Laboratory for Molecular Medicine, Mass General Brigham Personalized Medicine); PubMed 8730290 (cited by 3 submitters); PubMed 9829911 (cited by Labcorp Genetics (formerly Invitae), Labcorp and Laboratory for Molecular Medicine, Mass General Brigham Personalized Medicine); PubMed 10567493 (cited by 3 submitters); PubMed 17024664 (cited by Labcorp Genetics (formerly Invitae), Labcorp); PubMed 23384228 (cited by Labcorp Genetics (formerly Invitae), Labcorp and Ambry Genetics); PubMed 11331613 (cited by Labcorp Genetics (formerly Invitae), Labcorp and Institute for Genomic Medicine (IGM) Clinical Laboratory, Nationwide Children's Hospital); PubMed 16669786 (cited by Labcorp Genetics (formerly Invitae), Labcorp); PubMed 18544564 (cited by Labcorp Genetics (formerly Invitae), Labcorp and Institute for Genomic Medicine (IGM) Clinical Laboratory, Nationwide Children's Hospital); PubMed 19602254 (cited by Labcorp Genetics (formerly Invitae), Labcorp); PubMed 12114495 (cited by Labcorp Genetics (formerly Invitae), Labcorp); PubMed 25282218 (cited by Labcorp Genetics (formerly Invitae), Labcorp); PubMed 35505422 (cited by Myriad Genetics, Inc.); PubMed 18446368 (cited by Myriad Genetics, Inc.); PubMed 28650583 (cited by Myriad Genetics, Inc.); PubMed 34566400 (cited by Myriad Genetics, Inc.); PubMed 35466127 (cited by Myriad Genetics, Inc.); PubMed 17661816 (cited by Ambry Genetics); PubMed 26622630 (cited by Ambry Genetics); PubMed 15881703 (cited by Laboratory for Molecular Medicine, Mass General Brigham Personalized Medicine).